The following is an entry in ClinVar:

NM_001267550.2(TTN):c.58752T>C (p.Asp19584=)

Genes: TTN (titin; minus strand), TTN-AS1 (TTN antisense RNA 1; plus strand). Cytogenetic location: 2q31.2.
Variant type: single nucleotide variant.
Coding change: c.58752T>C on transcript NM_001267550.2 (MANE Select); coding-DNA position 58752, T replaced by C.
Protein change: p.Asp19584=; no amino-acid change (aspartic acid 19584 retained).
Molecular consequence: synonymous variant.
Genome position (GRCh38, 1-based): chr2:178,593,456, A>G on the plus strand (T>C on the coding strand, the complement: TTN is on the minus strand). VCF-style: chr2-178593456-A-G. GRCh37 (hg19) VCF-style: chr2-179458183-A-G.
Other names: c.31932T>C, p.Asp10644= (NM_133432.3); c.32133T>C, p.Asp10711= (NM_133437.4); c.53829T>C, p.Asp17943= (NM_001256850.1); c.31557T>C, p.Asp10519= (NM_003319.4); c.51048T>C, p.Asp17016= (NM_133378.4).
Identifiers: ClinVar variation 3464263 (VCV003464263.5).
Genomic context (GRCh38, chr2:178,593,456, plus strand): 5'-ATGTGGCTTATTCCAGGTTACTAATGCAGAGTCTTTGGTAACTTCTGTAACAATTGGCTG[A>G]TCAGGTGCATCAGGAACCCCTGTAACAAATGTTGGAAAATGCGTTAGAAATTTATTTCTT-3'
Protein context (NP_001254479.2, residues 19574-19594): KDRFRVPDAP[Asp19584=]QPIVTEVTKD

ClinVar aggregate classification (germline): Likely benign. Review status: criteria provided, multiple submitters, no conflicts (2 of 4 stars). 2 submissions from 2 submitters: Likely benign (2). Last evaluated 2026-01-01.

Conditions:
Cardiovascular phenotype. Identifiers: MedGen CN230736.

Submissions (2):

CeGaT Center for Human Genetics Tuebingen
Classification: Likely benign. Last evaluated: 2026-01-01. Review status: criteria provided, single submitter. Criteria: CeGaT Center For Human Genetics Tuebingen Variant Classification Criteria Version 2. Collection method: clinical testing. Allele origin: germline. Affected: yes. Observed: 1 variant allele.
Comment: TTN: PM2:Supporting, BP4, BP7

Ambry Genetics
Classification: Likely benign for Cardiovascular phenotype. Last evaluated: 2024-12-07. Review status: criteria provided, single submitter. Criteria: Ambry Variant Classification Scheme 2023. Collection method: clinical testing. Allele origin: germline.